The following is an entry in ClinVar:

NM_000246.4(CIITA):c.978G>C (p.Glu326Asp)

Gene: CIITA (class II major histocompatibility complex transactivator; plus strand). Cytogenetic location: 16p13.13.
Variant type: single nucleotide variant.
Coding change: c.978G>C on transcript NM_000246.4 (MANE Select); coding-DNA position 978, G replaced by C.
Protein change: p.Glu326Asp; replaces glutamic acid 326 with aspartic acid.
Molecular consequence: missense variant. On other transcripts: non-coding transcript variant (1).
Genome position (GRCh38, 1-based): chr16:10,904,784, G>C. VCF-style: chr16-10904784-G-C. GRCh37 (hg19) VCF-style: chr16-10998641-G-C.
Other names: c.981G>C, p.Glu327Asp (NM_001286402.1, NM_001379332.1); c.831G>C, p.Glu277Asp (NM_001286403.2, NM_001379331.1); c.834G>C, p.Glu278Asp (NM_001379330.1); c.978G>C, p.Glu326Asp (NM_001379333.1); c.909G>C, p.Glu303Asp (NM_001379334.1); short protein forms E277D, E327D, E303D, E278D, E326D.
Identifiers: ClinVar variation 2161907 (VCV002161907.1), dbSNP rs2144647014, ClinGen allele CA394729511.

ClinVar aggregate classification (germline): Uncertain significance (1 of 4 stars; one submission).

Conditions:
MHC class II deficiency. Also called: Bare lymphocyte syndrome 2; BLS, TYPE II. Identifiers: Orphanet 572, MedGen C5447452, MONDO:0008855.

Submission:

Labcorp Genetics (formerly Invitae), Labcorp
Classification: Uncertain significance for MHC class II deficiency. Last evaluated: 2022-07-05. Review status: criteria provided, single submitter. Criteria: Invitae Variant Classification Sherloc (09022015). Collection method: clinical testing. Allele origin: germline.
Comment: This sequence change replaces glutamic acid, which is acidic and polar, with aspartic acid, which is acidic and polar, at codon 326 of the CIITA protein (p.Glu326Asp). This variant is not present in population databases (gnomAD no frequency). This variant has not been reported in the literature in individuals affected with CIITA-related conditions. Algorithms developed to predict the effect of missense changes on protein structure and function (SIFT, PolyPhen-2, Align-GVGD) all suggest that this variant is likely to be tolerated. In summary, the available evidence is currently insufficient to determine the role of this variant in disease. Therefore, it has been classified as a Variant of Uncertain Significance.